The following is an entry in ClinVar:

ClinVar aggregate classification (germline): Uncertain significance (1 of 4 stars; one submission).

Conditions:
Hereditary hyperekplexia. Identifiers: Orphanet 3197, MedGen C4084968, MONDO:0021022.

gnomAD v4.1: 2 of 1,614,046 alleles (0.00012%); highest among the groups gnomAD compares: African/African-American, 0.0027%; no homozygotes.

Submission:

Labcorp Genetics (formerly Invitae), Labcorp
Classification: Uncertain significance for Hereditary hyperekplexia. Last evaluated: 2024-10-04. Review status: criteria provided, single submitter. Criteria: Invitae Variant Classification Sherloc (09022015). Collection method: clinical testing. Allele origin: germline.
Comment: This sequence change replaces aspartic acid, which is acidic and polar, with tyrosine, which is neutral and polar, at codon 378 of the GLRA1 protein (p.Asp378Tyr). This variant is present in population databases (rs753363839, gnomAD 0.007%). This variant has not been reported in the literature in individuals affected with GLRA1-related conditions. Invitae Evidence Modeling of protein sequence and biophysical properties (such as structural, functional, and spatial information, amino acid conservation, physicochemical variation, residue mobility, and thermodynamic stability) indicates that this missense variant is not expected to disrupt GLRA1 protein function with a negative predictive value of 80%. In summary, the available evidence is currently insufficient to determine the role of this variant in disease. Therefore, it has been classified as a Variant of Uncertain Significance.

NM_000171.4(GLRA1):c.1132G>T (p.Asp378Tyr)

Gene: GLRA1 (glycine receptor alpha 1; minus strand). Cytogenetic location: 5q33.1.
Variant type: single nucleotide variant.
Coding change: c.1132G>T on transcript NM_000171.4 (MANE Select); coding-DNA position 1132, G replaced by T.
Protein change: p.Asp378Tyr; replaces aspartic acid 378 with tyrosine.
Molecular consequence: missense variant.
Genome position (GRCh38, 1-based): chr5:151,822,891, C>A on the plus strand (G>T on the coding strand, the complement: GLRA1 is on the minus strand). VCF-style: chr5-151822891-C-A. GRCh37 (hg19) VCF-style: chr5-151202452-C-A.
Other names: c.1156G>T, p.Asp386Tyr (NM_001146040.2); c.883G>T, p.Asp295Tyr (NM_001292000.2); short protein forms D378Y, D295Y, D386Y.
Identifiers: ClinVar variation 3712305 (VCV003712305.2).